The following is an entry in ClinVar:

ClinVar aggregate classification (germline): Uncertain significance (1 of 4 stars; one submission).

Allele frequency attached by ClinVar (database versions not stated): gnomAD 0.00001; gnomAD exomes 0.00001; TOPMed 0.00002; 1000 Genomes Project 30x 0.00016.
gnomAD v4.1: 11 of 1,538,892 alleles (0.00071%); highest among the groups gnomAD compares: African/African-American, 0.0014%; no homozygotes.

Submission:

Labcorp Genetics (formerly Invitae), Labcorp
Classification: Uncertain significance. Last evaluated: 2022-10-13. Review status: criteria provided, single submitter. Criteria: Invitae Variant Classification Sherloc (09022015). Collection method: clinical testing. Allele origin: germline.
Comment: This sequence change replaces threonine, which is neutral and polar, with methionine, which is neutral and non-polar, at codon 1888 of the UNC80 protein (p.Thr1888Met). This variant is not present in population databases (gnomAD no frequency). This variant has not been reported in the literature in individuals affected with UNC80-related conditions. ClinVar contains an entry for this variant (Variation ID: 1432369). Advanced modeling of protein sequence and biophysical properties (such as structural, functional, and spatial information, amino acid conservation, physicochemical variation, residue mobility, and thermodynamic stability) performed at Invitae indicates that this missense variant is not expected to disrupt UNC80 protein function. In summary, the available evidence is currently insufficient to determine the role of this variant in disease. Therefore, it has been classified as a Variant of Uncertain Significance.

NM_001371986.1(UNC80):c.5861C>T (p.Thr1954Met)

Gene: UNC80 (unc-80 homolog, NALCN channel complex subunit; plus strand). Cytogenetic location: 2q34.
Variant type: single nucleotide variant.
Coding change: c.5861C>T on transcript NM_001371986.1 (MANE Select); coding-DNA position 5861, C replaced by T.
Protein change: p.Thr1954Met; replaces threonine 1954 with methionine.
Molecular consequence: missense variant.
Genome position (GRCh38, 1-based): chr2:209,929,925, C>T. VCF-style: chr2-209929925-C-T. GRCh37 (hg19) VCF-style: chr2-210794649-C-T.
Other names: c.5663C>T, p.Thr1888Met (NM_032504.2); c.5648C>T, p.Thr1883Met (NM_182587.4); short protein forms T1883M, T1954M, T1888M.
Identifiers: ClinVar variation 1432369 (VCV001432369.5), dbSNP rs940559299, ClinGen allele CA65041400.